The following is an entry in ClinVar:

ClinVar aggregate classification (germline): Conflicting classifications of pathogenicity. Review status: criteria provided, conflicting classifications (1 of 4 stars). 2 submissions from 2 submitters: Likely pathogenic (1); Uncertain significance (1). Last evaluated 2026-03-02.

Conditions:
Developmental and epileptic encephalopathy, 11 (DEE11). Also called: Early infantile epileptic encephalopathy 11. Identifiers: Orphanet 1934, MedGen C3150987, MONDO:0013388, OMIM 613721.

Submissions (2):

Broad Center for Mendelian Genomics, Broad Institute of MIT and Harvard
Classification: Likely pathogenic for Developmental and epileptic encephalopathy, 11. Last evaluated: 2026-03-02. Review status: criteria provided, single submitter. Criteria: ACMG Guidelines, 2015. Collection method: research. Allele origin: germline. Inheritance: Autosomal dominant inheritance.
Comment: Trio exome analysis showed this variant to be de novo. The p.Tyr85Cys variant in SCN2A has not been previously reported in the literature in individuals with neurodevelopmental disorders and was absent from large population studies. Computational prediction tools and conservation analyses suggest that this variant may impact the protein, though this information is not predictive enough to determine pathogenicity. The number of missense variants reported in SCN2A in the general population is lower than expected, suggesting there is little benign variation in this gene and slightly increasing the possibility that a missense variant in this gene may not be tolerated. In summary, although additional studies are required to fully establish its clinical significance, this variant is likely pathogenic for autosomal dominant developmental and epileptic encephalopathy 11. ACMG/AMP Criteria applied: PP3_strong, PP2, PM2_supporting, PS2_supporting (Richards 2015).

Laboratory for Molecular Medicine, Mass General Brigham Personalized Medicine
Classification: Uncertain significance. Last evaluated: 2023-11-02. Review status: criteria provided, single submitter. Criteria: ACMG Guidelines, 2015. Collection method: clinical testing. Allele origin: germline.
Comment: The p.Tyr85Cys variant in SCN2A has been identified as a de novo variant in 2 individuals with features of SCN2A-related disorders (Zhou 2022 PMID: 35982159, LMM internal data). Computational prediction tools and conservation analyses suggest that this variant may impact the protein, though this information is not predictive enough to determine pathogenicity. Missense variants in this gene are rarely observed as benign variation. In summary, while there is suspicion for a pathogenic role, the clinical significance of this variant is uncertain. ACMG/AMP Criteria applied: PS2_Moderate, PP3, PM2_Supporting, PP2.

Literature cited by the submitters: PubMed 35982159 (cited by Laboratory for Molecular Medicine, Mass General Brigham Personalized Medicine).

NM_001040142.2(SCN2A):c.254A>G (p.Tyr85Cys)

Gene: SCN2A (sodium voltage-gated channel alpha subunit 2; plus strand). Cytogenetic location: 2q24.3.
Variant type: single nucleotide variant.
Coding change: c.254A>G on transcript NM_001040142.2 (MANE Select); coding-DNA position 254, A replaced by G.
Protein change: p.Tyr85Cys; replaces tyrosine 85 with cysteine.
Molecular consequence: missense variant.
Genome position (GRCh38, 1-based): chr2:165,296,077, A>G. VCF-style: chr2-165296077-A-G. GRCh37 (hg19) VCF-style: chr2-166152587-A-G.
Other names: NM_021007.3:c.254A>G; c.254A>G, p.Tyr85Cys (NM_001040143.2, NM_001371246.1, NM_001371247.1 and 1 more transcripts); short protein forms Y85C.
Identifiers: ClinVar variation 3075958 (VCV003075958.2), dbSNP rs1282884197, ClinGen allele CA349010934.